The following is an entry in ClinVar:

ClinVar aggregate classification (germline): Uncertain significance (1 of 4 stars; one submission).

Conditions:
Gorlin syndrome. Also called: Nevoid Basal Cell Carcinoma Syndrome; Basal cell nevus syndrome. Identifiers: Orphanet 377, MedGen C0004779, MONDO:0007187.

Submission:

Labcorp Genetics (formerly Invitae), Labcorp
Classification: Uncertain significance for Gorlin syndrome. Last evaluated: 2023-06-25. Review status: criteria provided, single submitter. Criteria: Invitae Variant Classification Sherloc (09022015). Collection method: clinical testing. Allele origin: germline.
Comment: This variant has not been reported in the literature in individuals affected with PTCH1-related conditions. In summary, the available evidence is currently insufficient to determine the role of this variant in disease. Therefore, it has been classified as a Variant of Uncertain Significance. Advanced modeling of protein sequence and biophysical properties (such as structural, functional, and spatial information, amino acid conservation, physicochemical variation, residue mobility, and thermodynamic stability) performed at Invitae indicates that this missense variant is not expected to disrupt PTCH1 protein function. This variant is not present in population databases (gnomAD no frequency). This sequence change replaces valine, which is neutral and non-polar, with leucine, which is neutral and non-polar, at codon 687 of the PTCH1 protein (p.Val687Leu).

NM_000264.5(PTCH1):c.2059G>T (p.Val687Leu)

Genes: PTCH1 (patched 1; minus strand), LOC100507346 (uncharacterized LOC100507346; plus strand). Cytogenetic location: 9q22.32.
Variant type: single nucleotide variant.
Coding change: c.2059G>T on transcript NM_000264.5 (MANE Select); coding-DNA position 2059, G replaced by T.
Protein change: p.Val687Leu; replaces valine 687 with leucine.
Molecular consequence: missense variant. On other transcripts: non-coding transcript variant (2).
Genome position (GRCh38, 1-based): chr9:95,468,942, C>A on the plus strand (G>T on the coding strand, the complement: PTCH1 is on the minus strand). VCF-style: chr9-95468942-C-A. GRCh37 (hg19) VCF-style: chr9-98231224-C-A.
Other names: c.1861G>T, p.Val621Leu (NM_001083602.3); c.2056G>T, p.Val686Leu (NM_001083603.3); c.1606G>T, p.Val536Leu (NM_001083604.3, NM_001083605.3, NM_001083606.3 and 1 more transcripts); c.1903G>T, p.Val635Leu (NM_001354918.2); short protein forms V635L, V536L, V621L, V686L, V687L.
Identifiers: ClinVar variation 2728327 (VCV002728327.3), dbSNP rs374691153, ClinGen allele CA374115742.